The following is an entry in ClinVar:

NM_001298.3(CNGA3):c.848G>C (p.Arg283Pro)

Gene: CNGA3 (cyclic nucleotide gated channel subunit alpha 3; plus strand). Cytogenetic location: 2q11.2.
Variant type: single nucleotide variant.
Coding change: c.848G>C on transcript NM_001298.3 (MANE Select); coding-DNA position 848, G replaced by C.
Protein change: p.Arg283Pro; replaces arginine 283 with proline.
Molecular consequence: missense variant.
Genome position (GRCh38, 1-based): chr2:98,396,018, G>C. VCF-style: chr2-98396018-G-C. GRCh37 (hg19) VCF-style: chr2-99012481-G-C.
Other names: c.794G>C, p.Arg265Pro (NM_001079878.2); short protein forms R283P, R265P.
Identifiers: ClinVar variation 2005461 (VCV002005461.4), dbSNP rs104893614, ClinGen allele CA347832267.

ClinVar aggregate classification (germline): Pathogenic (1 of 4 stars; one submission).

Submission:

Labcorp Genetics (formerly Invitae), Labcorp
Classification: Pathogenic. Last evaluated: 2022-06-18. Review status: criteria provided, single submitter. Criteria: Invitae Variant Classification Sherloc (09022015). Collection method: clinical testing. Allele origin: germline.
Comment: This missense change has been observed in individual(s) with cone-rod dystrophy (Invitae). In at least one individual the data is consistent with being in trans (on the opposite chromosome) from a pathogenic variant. For these reasons, this variant has been classified as Pathogenic. This variant disrupts the p.Arg283 amino acid residue in CNGA3. Other variant(s) that disrupt this residue have been determined to be pathogenic (PMID: 9662398, 11536077, 17693388, 20238023, 24504161, 26992781). This suggests that this residue is clinically significant, and that variants that disrupt this residue are likely to be disease-causing. Advanced modeling of protein sequence and biophysical properties (such as structural, functional, and spatial information, amino acid conservation, physicochemical variation, residue mobility, and thermodynamic stability) performed at Invitae indicates that this missense variant is expected to disrupt CNGA3 protein function. This variant is not present in population databases (gnomAD no frequency). This sequence change replaces arginine, which is basic and polar, with proline, which is neutral and non-polar, at codon 283 of the CNGA3 protein (p.Arg283Pro).

Literature cited by the submitters: PubMed 9662398; PubMed 11536077; PubMed 17693388; PubMed 20238023; PubMed 24504161; PubMed 26992781.